The following is an entry in ClinVar:

ClinVar aggregate classification (germline): Uncertain significance (1 of 4 stars; one submission).

Conditions:
GABRA1-related disorder. Also called: GABRA1-related condition.

Submission:

PreventionGenetics, part of Exact Sciences
Classification: Uncertain significance for GABRA1-related condition. Last evaluated: 2023-06-01. Review status: criteria provided, single submitter. Criteria: ACMG Guidelines, 2015. Collection method: clinical testing. Allele origin: germline.
Comment: The GABRA1 c.793G>T variant is predicted to result in the amino acid substitution p.Val265Leu. To our knowledge, this variant has not been reported in the literature or in a large population database, indicating this variant is rare. At this time, the clinical significance of this variant is uncertain due to the absence of conclusive functional and genetic evidence.

NM_001127644.2(GABRA1):c.793G>T (p.Val265Leu)

Gene: GABRA1 (gamma-aminobutyric acid type A receptor subunit alpha1; plus strand). Cytogenetic location: 5q34.
Variant type: single nucleotide variant.
Coding change: c.793G>T on transcript NM_001127644.2 (MANE Select); coding-DNA position 793, G replaced by T.
Protein change: p.Val265Leu; replaces valine 265 with leucine.
Molecular consequence: missense variant.
Genome position (GRCh38, 1-based): chr5:161,890,987, G>T. VCF-style: chr5-161890987-G-T. GRCh37 (hg19) VCF-style: chr5-161317993-G-T.
Other names: c.793G>T, p.Val265Leu (NM_000806.5, NM_001127643.2, NM_001127645.2 and 1 more transcripts); short protein forms V265L.
Identifiers: ClinVar variation 2633263 (VCV002633263.1), dbSNP rs2532280428, ClinGen allele CA362179914.